The following is an entry in ClinVar:

NM_001042424.3(NSD2):c.2745T>G (p.Ile915Met)

Gene: NSD2 (nuclear receptor binding SET domain protein 2; plus strand). Cytogenetic location: 4p16.3.
Variant type: single nucleotide variant.
Coding change: c.2745T>G on transcript NM_001042424.3 (MANE Select); coding-DNA position 2745, T replaced by G.
Protein change: p.Ile915Met; replaces isoleucine 915 with methionine.
Molecular consequence: missense variant.
Genome position (GRCh38, 1-based): chr4:1,956,052, T>G. VCF-style: chr4-1956052-T-G. GRCh37 (hg19) VCF-style: chr4-1957779-T-G.
Other names: c.2745T>G, p.Ile915Met (NM_001440892.1, NM_001440894.1, NM_001440895.1 and 3 more transcripts); c.2844T>G, p.Ile948Met (NM_001440893.1); c.2544T>G, p.Ile848Met (NM_001440896.1); c.2538T>G, p.Ile846Met (NM_001440897.1, NM_001440898.1); c.1776T>G, p.Ile592Met (NM_001440899.1, NM_001440900.1); short protein forms I592M, I846M, I848M, I915M, I948M.
Identifiers: ClinVar variation 5037382 (VCV005037382.1).

ClinVar aggregate classification (germline): Uncertain significance (1 of 4 stars; one submission).

Submission:

GeneDx
Classification: Uncertain significance. Last evaluated: 2026-04-17. Review status: criteria provided, single submitter. Criteria: GeneDx Variant Classification Process June 2021. Collection method: clinical testing. Allele origin: germline.
Comment: Not observed at significant frequency in large population cohorts (gnomAD); In silico analysis suggests that this missense variant does not alter protein structure/function; Has not been previously published as pathogenic or benign to our knowledge